The following is an entry in ClinVar:

NM_015072.5(TTLL5):c.512C>T (p.Ser171Leu)

Gene: TTLL5 (tubulin tyrosine ligase like 5; plus strand). Cytogenetic location: 14q24.3.
Variant type: single nucleotide variant.
Coding change: c.512C>T on transcript NM_015072.5 (MANE Select); coding-DNA position 512, C replaced by T.
Protein change: p.Ser171Leu; replaces serine 171 with leucine.
Molecular consequence: missense variant.
Genome position (GRCh38, 1-based): chr14:75,699,197, C>T. VCF-style: chr14-75699197-C-T. GRCh37 (hg19) VCF-style: chr14-76165540-C-T.
Other names: c.512C>T (NM_015072.4); short protein forms S171L.
Identifiers: ClinVar variation 1467151 (VCV001467151.7), dbSNP rs755712371, ClinGen allele CA7278963.

ClinVar aggregate classification (germline): Uncertain significance. Review status: criteria provided, multiple submitters, no conflicts (2 of 4 stars). 2 submissions from 2 submitters: Uncertain significance (2). Last evaluated 2025-03-27.

Conditions:
Inborn genetic diseases. Identifiers: MedGen C0950123, MeSH D030342.

Allele frequency attached by ClinVar (database versions not stated): ExAC 0.00002; gnomAD exomes 0.00002.
gnomAD v4.1: 20 of 1,613,606 alleles (0.0012%); highest among the groups gnomAD compares: East Asian, 0.029%; no homozygotes.

Submissions (2):

Ambry Genetics
Classification: Uncertain significance for Inborn genetic diseases. Last evaluated: 2025-03-27. Review status: criteria provided, single submitter. Criteria: Ambry Variant Classification Scheme 2023. Collection method: clinical testing. Allele origin: germline.

Labcorp Genetics (formerly Invitae), Labcorp
Classification: Uncertain significance. Last evaluated: 2021-07-28. Review status: criteria provided, single submitter. Criteria: Invitae Variant Classification Sherloc (09022015). Collection method: clinical testing. Allele origin: germline.
Comment: This variant has not been reported in the literature in individuals affected with TTLL5-related conditions. In summary, the available evidence is currently insufficient to determine the role of this variant in disease. Therefore, it has been classified as a Variant of Uncertain Significance. Algorithms developed to predict the effect of missense changes on protein structure and function (SIFT, PolyPhen-2, Align-GVGD) all suggest that this variant is likely to be tolerated. This variant is present in population databases (rs755712371, ExAC 0.02%). This sequence change replaces serine with leucine at codon 171 of the TTLL5 protein (p.Ser171Leu). The serine residue is moderately conserved and there is a large physicochemical difference between serine and leucine.